The following is an entry in ClinVar:

NM_001077653.2(TBX20):c.646C>T (p.His216Tyr)

Gene: TBX20 (T-box transcription factor 20; minus strand). Cytogenetic location: 7p14.2.
Variant type: single nucleotide variant.
Coding change: c.646C>T on transcript NM_001077653.2 (MANE Select); coding-DNA position 646, C replaced by T.
Protein change: p.His216Tyr; replaces histidine 216 with tyrosine.
Molecular consequence: missense variant.
Genome position (GRCh38, 1-based): chr7:35,244,957, G>A on the plus strand (C>T on the coding strand, the complement: TBX20 is on the minus strand). VCF-style: chr7-35244957-G-A. GRCh37 (hg19) VCF-style: chr7-35284569-G-A.
Other names: c.646C>T, p.His216Tyr (NM_001166220.1); short protein forms H216Y.
Identifiers: ClinVar variation 2140500 (VCV002140500.4), dbSNP rs1443257451, ClinGen allele CA367264277.
Genomic context (GRCh38, chr7:35,244,957, plus strand): 5'-ACCTGTCCATTCTACCTCAGGGAACCTGCACAGTCCAAGGCATGGTACTTACATGGCCAT[G>A]TTGATCCAGTTCATTGTTGGTGAGTTTCACCTTTTCAAAAGACACCATCTGTTTGAGTAG-3'
Protein context (NP_001071121.1, residues 206-226): VKLTNNELDQ[His216Tyr]GHIILNSMHK

ClinVar aggregate classification (germline): Uncertain significance (1 of 4 stars; one submission).

Allele frequency attached by ClinVar (database versions not stated): gnomAD exomes below 0.00001; TOPMed below 0.00001.

Submission:

Labcorp Genetics (formerly Invitae), Labcorp
Classification: Uncertain significance. Last evaluated: 2025-09-01. Review status: criteria provided, single submitter. Criteria: Invitae Variant Classification Sherloc (09022015). Collection method: clinical testing. Allele origin: germline.
Comment: This sequence change replaces histidine, which is basic and polar, with tyrosine, which is neutral and polar, at codon 216 of the TBX20 protein (p.His216Tyr). This variant is present in population databases (no rsID available, gnomAD 0.003%). This variant has not been reported in the literature in individuals affected with TBX20-related conditions. ClinVar contains an entry for this variant (Variation ID: 2140500). Invitae Evidence Modeling of protein sequence and biophysical properties (such as structural, functional, and spatial information, amino acid conservation, physicochemical variation, residue mobility, and thermodynamic stability) indicates that this missense variant is not expected to disrupt TBX20 protein function with a negative predictive value of 80%. In summary, the available evidence is currently insufficient to determine the role of this variant in disease. Therefore, it has been classified as a Variant of Uncertain Significance.